The following is an entry in ClinVar:

NM_001113491.2(SEPTIN9):c.733G>A (p.Ala245Thr)

Gene: SEPTIN9 (septin 9; plus strand). Cytogenetic location: 17q25.3.
Variant type: single nucleotide variant.
Coding change: c.733G>A on transcript NM_001113491.2 (MANE Select); coding-DNA position 733, G replaced by A.
Protein change: p.Ala245Thr; replaces alanine 245 with threonine.
Molecular consequence: missense variant. On other transcripts: 5 prime UTR variant (4).
Genome position (GRCh38, 1-based): chr17:77,482,155, G>A. VCF-style: chr17-77482155-G-A. GRCh37 (hg19) VCF-style: chr17-75478237-G-A.
Other names: c.241G>A, p.Ala81Thr (NM_001113492.2, NM_001113494.1); c.712G>A, p.Ala238Thr (NM_001113493.2); c.-21G>A (NM_001113495.2, NM_001113496.2, NM_001293697.2 and 1 more transcripts); c.676G>A, p.Ala226Thr (NM_001293695.2); c.61G>A, p.Ala21Thr (NM_001293696.2); c.679G>A, p.Ala227Thr (NM_006640.5); short protein forms A245T, A81T, A238T, A227T, A21T, A226T.
Identifiers: ClinVar variation 2966742 (VCV002966742.3), dbSNP rs1392199741, ClinGen allele CA401207686.

ClinVar aggregate classification (germline): Uncertain significance (1 of 4 stars; one submission).

Allele frequency attached by ClinVar (database versions not stated): gnomAD 0.00006; gnomAD exomes 0.00001; TOPMed 0.00008.
gnomAD v4.1: 18 of 1,578,120 alleles (0.0011%); highest among the groups gnomAD compares: Admixed American, 0.032%; no homozygotes.

Submission:

Labcorp Genetics (formerly Invitae), Labcorp
Classification: Uncertain significance. Last evaluated: 2025-03-17. Review status: criteria provided, single submitter. Criteria: Invitae Variant Classification Sherloc (09022015). Collection method: clinical testing. Allele origin: germline.
Comment: This sequence change replaces alanine, which is neutral and non-polar, with threonine, which is neutral and polar, at codon 227 of the SEPT9 protein (p.Ala227Thr). The frequency data for this variant in the population databases is considered unreliable, as metrics indicate poor data quality at this position in the gnomAD database. This variant has not been reported in the literature in individuals affected with SEPT9-related conditions. ClinVar contains an entry for this variant (Variation ID: 2966742). Invitae Evidence Modeling of protein sequence and biophysical properties (such as structural, functional, and spatial information, amino acid conservation, physicochemical variation, residue mobility, and thermodynamic stability) indicates that this missense variant is not expected to disrupt SEPT9 protein function with a negative predictive value of 80%. In summary, the available evidence is currently insufficient to determine the role of this variant in disease. Therefore, it has been classified as a Variant of Uncertain Significance.